The following is an entry in ClinVar:

NM_144670.6(A2ML1):c.3124A>G (p.Thr1042Ala)

Gene: A2ML1 (alpha-2-macroglobulin like 1; plus strand). Cytogenetic location: 12p13.31.
Variant type: single nucleotide variant.
Coding change: c.3124A>G on transcript NM_144670.6 (MANE Select); coding-DNA position 3124, A replaced by G.
Protein change: p.Thr1042Ala; replaces threonine 1042 with alanine.
Molecular consequence: missense variant.
Genome position (GRCh38, 1-based): chr12:8,857,962, A>G. VCF-style: chr12-8857962-A-G. GRCh37 (hg19) VCF-style: chr12-9010558-A-G.
Other names: c.1651A>G, p.Thr551Ala (NM_001282424.3); short protein forms T551A, T1042A.
Identifiers: ClinVar variation 704270 (VCV000704270.16), dbSNP rs565930773, ClinGen allele CA6436274.

ClinVar aggregate classification (germline): Benign/Likely benign. Review status: criteria provided, multiple submitters, no conflicts (2 of 4 stars). 5 submissions from 5 submitters: Benign (1); Likely benign (3). 1 of the submissions does not count toward it. Last evaluated 2026-01-27.

Conditions:
A2ML1-related disorder. Also called: A2ML1-related condition.

Allele frequency attached by ClinVar (database versions not stated): gnomAD below 0.00001 and 0.00009; TOPMed 0.00003; gnomAD exomes 0.00023 and 0.00048; ExAC 0.00052; 1000 Genomes Project 0.00060; 1000 Genomes Project 30x 0.00109.
gnomAD v4.1: 354 of 1,614,128 alleles (0.022%); highest among the groups gnomAD compares: South Asian, 0.35%; 1 homozygote.

Submissions (5):

Labcorp Genetics (formerly Invitae), Labcorp
Classification: Likely benign. Last evaluated: 2026-01-27. Review status: criteria provided, single submitter. Criteria: Invitae Variant Classification Sherloc (09022015). Collection method: clinical testing. Allele origin: germline.

Department of Human Genetics, University Hospital Magdeburg
Classification: Likely benign. Last evaluated: 2020-07-09. Review status: criteria provided, single submitter. Criteria: ACMG Guidelines, 2015. Collection method: clinical testing. Allele origin: paternal. Inheritance: Autosomal dominant inheritance. Observed: 1 variant allele.
Comment: For this variant in-silico prediction yielded a consistent neutral prediction on the gene function (PB4).

Women's Health and Genetics/Laboratory Corporation of America, LabCorp
Classification: Benign. Last evaluated: 2019-12-09. Review status: criteria provided, single submitter. Criteria: LabCorp Variant Classification Summary - May 2015. Collection method: clinical testing. Allele origin: germline.
Comment: Variant summary: A2ML1 c.3124A>G (p.Thr1042Ala) results in a non-conservative amino acid change located in the Alpha-macroglobulin-like, TED domain (IPR011626) of the encoded protein sequence. Four of five in-silico tools predict a benign effect of the variant on protein function. The variant allele was found at a frequency of 0.00048 in 249426 control chromosomes, predominantly at a frequency of 0.0036 within the South Asian subpopulation in the gnomAD database. The observed variant frequency within South Asian control individuals in the gnomAD database is approximately 900 fold of the estimated maximal expected allele frequency for a pathogenic variant in A2ML1 causing Noonan Syndrome phenotype (4e-06), strongly suggesting that the variant is a benign polymorphism found primarily in populations of South Asian origin. To our knowledge, no occurrence of c.3124A>G in individuals affected with Noonan Syndrome and no experimental evidence demonstrating its impact on protein function have been reported. No clinical diagnostic laboratories have submitted clinical-significance assessments for this variant to ClinVar after 2014. Based on the evidence outlined above, the variant was classified as benign.

Breakthrough Genomics
Classification: Likely benign. Review status: criteria provided, single submitter. Criteria: ACMG Guidelines, 2015. Collection method: not provided. Allele origin: germline. Inheritance: Autosomal dominant inheritance. Affected: yes.

PreventionGenetics, part of Exact Sciences
Classification: Likely benign for A2ML1-related condition. Last evaluated: 2022-04-06. Review status: no assertion criteria provided. Collection method: clinical testing. Allele origin: germline. Not counted in ClinVar's aggregate classification.
Comment: This variant is classified as likely benign based on ACMG/AMP sequence variant interpretation guidelines (Richards et al. 2015 PMID: 25741868, with internal and published modifications).